The following is an entry in ClinVar:

ClinVar aggregate classification (germline): Uncertain significance. Review status: criteria provided, multiple submitters, no conflicts (2 of 4 stars). 2 submissions from 2 submitters: Uncertain significance (2). Last evaluated 2025-09-07.

Conditions:
Duchenne muscular dystrophy (DMD). Also called: MUSCULAR DYSTROPHY, PSEUDOHYPERTROPHIC PROGRESSIVE, DUCHENNE TYPE; Duchenne Muscular Dystrophy (DMD). Identifiers: Orphanet 98896, MedGen C0013264, MONDO:0010679, OMIM 310200.

Submissions (2):

Labcorp Genetics (formerly Invitae), Labcorp
Classification: Uncertain significance for Duchenne muscular dystrophy. Last evaluated: 2025-09-07. Review status: criteria provided, single submitter. Criteria: Invitae Variant Classification Sherloc (09022015). Collection method: clinical testing. Allele origin: germline.
Comment: This sequence change replaces valine, which is neutral and non-polar, with glutamic acid, which is acidic and polar, at codon 92 of the DMD protein (p.Val92Glu). This variant is not present in population databases (gnomAD no frequency). This variant has not been reported in the literature in individuals affected with DMD-related conditions. ClinVar contains an entry for this variant (Variation ID: 3702928). Invitae Evidence Modeling of protein sequence and biophysical properties (such as structural, functional, and spatial information, amino acid conservation, physicochemical variation, residue mobility, and thermodynamic stability) indicates that this missense variant is not expected to disrupt DMD protein function with a negative predictive value of 95%. In summary, the available evidence is currently insufficient to determine the role of this variant in disease. Therefore, it has been classified as a Variant of Uncertain Significance.

Women's Health and Genetics/Laboratory Corporation of America, LabCorp
Classification: Uncertain significance. Last evaluated: 2025-07-28. Review status: criteria provided, single submitter. Criteria: LabCorp Variant Classification Summary - May 2015. Collection method: clinical testing. Allele origin: germline.

NM_004006.3(DMD):c.275T>A (p.Val92Glu)

Gene: DMD (dystrophin; minus strand). Cytogenetic location: Xp21.1.
Variant type: single nucleotide variant.
Coding change: c.275T>A on transcript NM_004006.3 (MANE Select); coding-DNA position 275, T replaced by A.
Protein change: p.Val92Glu; replaces valine 92 with glutamic acid.
Molecular consequence: missense variant. On other transcripts: 5 prime UTR variant (1).
Genome position (GRCh38, 1-based): chrX:32,823,377, A>T on the plus strand (T>A on the coding strand, the complement: DMD is on the minus strand). VCF-style: chrX-32823377-A-T. GRCh37 (hg19) VCF-style: chrX-32841494-A-T.
Other names: c.251T>A, p.Val84Glu (NM_000109.4); c.263T>A, p.Val88Glu (NM_004009.3); c.-95T>A (NM_004010.3); short protein forms V92E, V84E, V88E.
Identifiers: ClinVar variation 3702928 (VCV003702928.3).